The following is an entry in ClinVar:

NM_000137.4(FAH):c.268T>A (p.Ser90Thr)

Gene: FAH (fumarylacetoacetate hydrolase; plus strand). Cytogenetic location: 15q25.1.
Variant type: single nucleotide variant.
Coding change: c.268T>A on transcript NM_000137.4 (MANE Select); coding-DNA position 268, T replaced by A.
Protein change: p.Ser90Thr; replaces serine 90 with threonine.
Molecular consequence: missense variant.
Genome position (GRCh38, 1-based): chr15:80,159,831, T>A. VCF-style: chr15-80159831-T-A. GRCh37 (hg19) VCF-style: chr15-80452173-T-A.
Other names: c.268T>A, p.Ser90Thr (NM_001374377.1, NM_001374380.1); short protein forms S90T.
Identifiers: ClinVar variation 2425493 (VCV002425493.7), dbSNP rs2041132842, ClinGen allele CA393619001.

ClinVar aggregate classification (germline): Uncertain significance. Review status: criteria provided, multiple submitters, no conflicts (2 of 4 stars). 2 submissions from 2 submitters: Uncertain significance (2). Last evaluated 2024-04-08.

Conditions:
Tyrosinemia type I (TYRSN1). Also called: HEPATORENAL TYROSINEMIA; Tyrosinemia type 1; Fumarylacetoacetase deficiency; Deficiency of fumarylacetoacetase; FAH DEFICIENCY. Identifiers: Orphanet 882, MedGen C0268490, MONDO:0010161, OMIM 276700. Disease mechanism: loss of function.

Allele frequency attached by ClinVar (database versions not stated): gnomAD 0.00001; TOPMed 0.00001.
gnomAD v4.1: 2 of 1,614,140 alleles (0.00012%); highest among the groups gnomAD compares: African/African-American, 0.0027%; no homozygotes.

Submissions (2):

Fulgent Genetics
Classification: Uncertain significance for Tyrosinemia type I. Last evaluated: 2024-04-08. Review status: criteria provided, single submitter. Criteria: ACMG Guidelines, 2015. Collection method: clinical testing. Allele origin: germline.

Labcorp Genetics (formerly Invitae), Labcorp
Classification: Uncertain significance for Tyrosinemia type I. Last evaluated: 2022-04-25. Review status: criteria provided, single submitter. Criteria: Invitae Variant Classification Sherloc (09022015). Collection method: clinical testing. Allele origin: germline.
Comment: This sequence change replaces serine, which is neutral and polar, with threonine, which is neutral and polar, at codon 90 of the FAH protein (p.Ser90Thr). This variant is not present in population databases (gnomAD no frequency). This variant has not been reported in the literature in individuals affected with FAH-related conditions. Advanced modeling of protein sequence and biophysical properties (such as structural, functional, and spatial information, amino acid conservation, physicochemical variation, residue mobility, and thermodynamic stability) performed at Invitae indicates that this missense variant is not expected to disrupt FAH protein function. In summary, the available evidence is currently insufficient to determine the role of this variant in disease. Therefore, it has been classified as a Variant of Uncertain Significance.